The following is an entry in ClinVar:

NM_012295.4(CABIN1):c.222C>T (p.Ser74=)

Gene: CABIN1 (calcineurin binding protein 1; plus strand). Cytogenetic location: 22q11.23.
Variant type: single nucleotide variant.
Coding change: c.222C>T on transcript NM_012295.4 (MANE Select); coding-DNA position 222, C replaced by T.
Protein change: p.Ser74=; no amino-acid change (serine 74 retained).
Molecular consequence: synonymous variant.
Genome position (GRCh38, 1-based): chr22:24,041,150, C>T. VCF-style: chr22-24041150-C-T. GRCh37 (hg19) VCF-style: chr22-24437598-C-T.
Other names: c.222C>T, p.Ser74= (NM_001199281.1, NM_001201429.2).
Identifiers: ClinVar variation 737409 (VCV000737409.5), dbSNP rs780301447, ClinGen allele CA10148247.

ClinVar aggregate classification (germline): Likely benign. Review status: criteria provided, single submitter (1 of 4 stars). 2 submissions from 2 submitters: Likely benign (1). 1 of the submissions does not count toward it. Last evaluated 2018-03-29.

Conditions:
CABIN1-related disorder. Also called: CABIN1-related condition.

Allele frequency attached by ClinVar (database versions not stated): gnomAD 0.00001; TOPMed 0.00002; gnomAD exomes 0.00005 and 0.00006; ExAC 0.00007.
gnomAD v4.1: 84 of 1,614,168 alleles (0.0052%); highest among the groups gnomAD compares: Middle Eastern, 0.099%; no homozygotes.

Submissions (2):

Labcorp Genetics (formerly Invitae), Labcorp
Classification: Likely benign. Last evaluated: 2018-03-29. Review status: criteria provided, single submitter. Criteria: Invitae Variant Classification Sherloc (09022015). Collection method: clinical testing. Allele origin: germline.

PreventionGenetics, part of Exact Sciences
Classification: Likely benign for CABIN1-related condition. Last evaluated: 2019-03-20. Review status: no assertion criteria provided. Collection method: clinical testing. Allele origin: germline. Not counted in ClinVar's aggregate classification.
Comment: This variant is classified as likely benign based on ACMG/AMP sequence variant interpretation guidelines (Richards et al. 2015 PMID: 25741868, with internal and published modifications).